The following is an entry in ClinVar:

NM_002972.4(SBF1):c.2398A>G (p.Met800Val)

Gene: SBF1 (SET binding factor 1; minus strand). Cytogenetic location: 22q13.33.
Variant type: single nucleotide variant.
Coding change: c.2398A>G on transcript NM_002972.4 (MANE Select); coding-DNA position 2398, A replaced by G.
Protein change: p.Met800Val; replaces methionine 800 with valine.
Molecular consequence: missense variant.
Genome position (GRCh38, 1-based): chr22:50,462,118, T>C on the plus strand (A>G on the coding strand, the complement: SBF1 is on the minus strand). VCF-style: chr22-50462118-T-C. GRCh37 (hg19) VCF-style: chr22-50900547-T-C.
Other names: c.2401A>G, p.Met801Val (NM_001365819.1, NM_001410794.1); c.2398A>G, p.Met800Val (NM_001410795.1, NM_197971.1); short protein forms M800V, M801V.
Identifiers: ClinVar variation 2077213 (VCV002077213.4), dbSNP rs767903073, ClinGen allele CA10317214.

ClinVar aggregate classification (germline): Uncertain significance (1 of 4 stars; one submission).

Allele frequency attached by ClinVar (database versions not stated): ExAC 0.00001; gnomAD exomes 0.00001.
gnomAD v4.1: 9 of 1,613,044 alleles (0.00056%); highest among the groups gnomAD compares: South Asian, 0.0022%; no homozygotes.

Submission:

Labcorp Genetics (formerly Invitae), Labcorp
Classification: Uncertain significance. Last evaluated: 2024-08-06. Review status: criteria provided, single submitter. Criteria: Invitae Variant Classification Sherloc (09022015). Collection method: clinical testing. Allele origin: germline.
Comment: This sequence change replaces methionine, which is neutral and non-polar, with valine, which is neutral and non-polar, at codon 800 of the SBF1 protein (p.Met800Val). This variant is present in population databases (rs767903073, gnomAD 0.005%). This variant has not been reported in the literature in individuals affected with SBF1-related conditions. ClinVar contains an entry for this variant (Variation ID: 2077213). An algorithm developed to predict the effect of missense changes on protein structure and function (PolyPhen-2) suggests that this variant is likely to be tolerated. In summary, the available evidence is currently insufficient to determine the role of this variant in disease. Therefore, it has been classified as a Variant of Uncertain Significance.